The following is an entry in ClinVar:

NM_002693.3(POLG):c.3268_3269insT (p.Glu1090fs)

Gene: POLG (DNA polymerase gamma, catalytic subunit; minus strand). Cytogenetic location: 15q26.1.
Variant type: Insertion.
Coding change: c.3268_3269insT on transcript NM_002693.3 (MANE Select); coding-DNA positions 3268 to 3269, T inserted.
Protein change: p.Glu1090fs; shifts the reading frame from glutamic acid 1090.
Molecular consequence: frameshift variant.
Genome position: GRCh38 VCF-style: chr15-89318935-T-TA. GRCh37 (hg19) VCF-style: chr15-89862166-T-TA.
Other names: c.3268_3269insT, p.Glu1090fs (NM_001126131.2); short protein forms E1090fs.
Identifiers: ClinVar variation 1711389 (VCV001711389.30), dbSNP rs2509206669, ClinGen allele CA2580090205.

ClinVar aggregate classification (germline): Pathogenic (1 of 4 stars; one submission).

Submission:

CeGaT Center for Human Genetics Tuebingen
Classification: Pathogenic. Last evaluated: 2022-08-01. Review status: criteria provided, single submitter. Criteria: CeGaT Center For Human Genetics Tuebingen Variant Classification Criteria Version 2. Collection method: clinical testing. Allele origin: germline. Affected: yes. Observed: 1 variant allele.
Comment: POLG: PVS1, PM2